The following is an entry in ClinVar:

ClinVar aggregate classification (germline): Conflicting classifications of pathogenicity. Review status: criteria provided, conflicting classifications (1 of 4 stars). 6 submissions from 6 submitters: Uncertain significance (4); Likely benign (2). Last evaluated 2026-08-14.

Conditions:
Developmental and epileptic encephalopathy, 42 (DEE42A). Also called: DEVELOPMENTAL AND EPILEPTIC ENCEPHALOPATHY 42A; Epileptic encephalopathy, early infantile, 42; EPILEPTIC ENCEPHALOPATHY, EARLY INFANTILE, 42A. Identifiers: MedGen C4310716, MONDO:0014917, OMIM 617106.
Episodic ataxia type 2 (EA2). Also called: ATAXIA, EPISODIC, WITH NYSTAGMUS; ATAXIA, FAMILIAL PAROXYSMAL; CEREBELLAR ATAXIA, PAROXYSMAL, ACETAZOLAMIDE-RESPONSIVE; CEREBELLOPATHY, HEREDITARY PAROXYSMAL; EPISODIC ATAXIA, NYSTAGMUS-ASSOCIATED; ACETAZOLAMIDE-RESPONSIVE HEREDITARY PAROXYSMAL CEREBELLAR ATAXIA. Identifiers: Orphanet 97, MedGen C1720416, MONDO:0007163, OMIM 108500.
Inborn genetic diseases. Identifiers: MedGen C0950123, MeSH D030342.

Allele frequency attached by ClinVar (database versions not stated): gnomAD 0.00006 and 0.00007; gnomAD exomes 0.00006 and 0.00008; ExAC 0.00007; ESP Exome Variant Server 0.00008; TOPMed 0.00009; 1000 Genomes Project 30x 0.00016; 1000 Genomes Project 0.00020.
gnomAD v4.1: 104 of 1,612,944 alleles (0.0064%); highest among the groups gnomAD compares: African/African-American, 0.012%; no homozygotes.

Submissions (6):

GeneDx
Classification: Uncertain significance. Last evaluated: 2026-08-14. Review status: criteria provided, single submitter. Criteria: GeneDx Variant Classification Process June 2021. Collection method: clinical testing. Allele origin: germline.
Comment: Observed as a heterozygous variant in a patient from a large cohort of individuals with epilepsy in published literature (PMID: 31440721); In silico analysis supports that this missense variant has a deleterious effect on protein structure/function; This variant is associated with the following publications: (PMID: 31440721)

Labcorp Genetics (formerly Invitae), Labcorp
Classification: Likely benign for Developmental and epileptic encephalopathy, 42; Episodic ataxia type 2. Last evaluated: 2026-01-07. Review status: criteria provided, single submitter. Criteria: Invitae Variant Classification Sherloc (09022015). Collection method: clinical testing. Allele origin: germline.

Athena Diagnostics
Classification: Uncertain significance. Last evaluated: 2025-10-15. Review status: criteria provided, single submitter. Criteria: Athena Diagnostics Criteria. Collection method: clinical testing. Allele origin: unknown.
Comment: Available data are insufficient to determine the clinical significance of the variant at this time. The frequency of this variant in the general population is higher than would generally be expected for pathogenic variants in this gene. Polyphen and MutationTaster yielded discordant predictions regarding whether this amino acid change is damaging to the protein.

CeGaT Center for Human Genetics Tuebingen
Classification: Uncertain significance. Last evaluated: 2025-09-01. Review status: criteria provided, single submitter. Criteria: CeGaT Center For Human Genetics Tuebingen Variant Classification Criteria Version 2. Collection method: clinical testing. Allele origin: germline. Affected: yes. Observed: 2 variant alleles.

Women's Health and Genetics/Laboratory Corporation of America, LabCorp
Classification: Likely benign. Last evaluated: 2024-01-08. Review status: criteria provided, single submitter. Criteria: LabCorp Variant Classification Summary - May 2015. Collection method: clinical testing. Allele origin: germline.
Comment: Variant summary: CACNA1A c.2504A>C (p.Asn835Thr) results in a non-conservative amino acid change in the encoded protein sequence. Five of five in-silico tools predict a damaging effect of the variant on protein function. The variant allele was found at a frequency of 6.4e-05 in 1612944 control chromosomes (ie. 104 individuals) in the gnomAD database (v4). This frequency suggests this variant is not likely to be associated with a highly penetrant autosomal dominant disorder. To our knowledge, no occurrence of c.2504A>C in individuals affected with Early Infantile Epileptic Encephalopathy or Episodic Ataxia and no experimental evidence demonstrating its impact on protein function have been reported. ClinVar contains an entry for this variant (Variation ID: 582956). Based on the evidence outlined above, the variant was classified as likely benign.

Ambry Genetics
Classification: Uncertain significance for Inborn genetic diseases. Last evaluated: 2016-06-14. Review status: criteria provided, single submitter. Criteria: Ambry Variant Classification Scheme 2023. Collection method: clinical testing. Allele origin: germline.
Comment: The p.N835T variant (also known as c.2504A>C), located in coding exon 19 of the CACNA1A gene, results from an A to C substitution at nucleotide position 2504. The asparagine at codon 835 is replaced by threonine, an amino acid with similar properties. This variant was previously reported in the SNPDatabase as rs201666606. Based on data from the NHLBI Exome Sequencing Project (ESP), the C allele has an overall frequency of approximately 0.01% (1/12234) total alleles studied and 0.01% (1/8256) European American alleles. This amino acid position is highly conserved in available vertebrate species. In addition, the in silico prediction for this alteration is inconclusive. Since supporting evidence is limited at this time, the clinical significance of this variant remains unclear.

Literature cited by the submitters: PubMed 31440721 (cited by Athena Diagnostics).

NM_001127222.2(CACNA1A):c.2501A>C (p.Asn834Thr)

Gene: CACNA1A (calcium voltage-gated channel subunit alpha1 A; minus strand). Cytogenetic location: 19p13.13.
Variant type: single nucleotide variant.
Coding change: c.2501A>C on transcript NM_001127222.2 (MANE Select); coding-DNA position 2501, A replaced by C.
Protein change: p.Asn834Thr; replaces asparagine 834 with threonine.
Molecular consequence: missense variant.
Genome position (GRCh38, 1-based): chr19:13,299,132, T>G on the plus strand (A>C on the coding strand, the complement: CACNA1A is on the minus strand). VCF-style: chr19-13299132-T-G. GRCh37 (hg19) VCF-style: chr19-13409946-T-G.
Other names: c.2513A>C, p.Asn838Thr (NM_000068.4, NM_023035.3); c.2504A>C, p.Asn835Thr (NM_001127221.2, NM_001174080.2); short protein forms N835T, N838T, N834T.
Identifiers: ClinVar variation 582956 (VCV000582956.50), dbSNP rs201666606, ClinGen allele CA9240542.